The following is an entry in ClinVar:

NM_015015.3(KDM4B):c.847G>A (p.Gly283Arg)

Gene: KDM4B (lysine demethylase 4B; plus strand). Cytogenetic location: 19p13.3.
Variant type: single nucleotide variant.
Coding change: c.847G>A on transcript NM_015015.3 (MANE Select); coding-DNA position 847, G replaced by A.
Protein change: p.Gly283Arg; replaces glycine 283 with arginine.
Molecular consequence: missense variant.
Genome position (GRCh38, 1-based): chr19:5,082,433, G>A. VCF-style: chr19-5082433-G-A. GRCh37 (hg19) VCF-style: chr19-5082444-G-A.
Other names: c.847G>A, p.Gly283Arg (NM_001370093.1, NM_001370094.1, NM_001411148.1); short protein forms G283R.
Identifiers: ClinVar variation 2443404 (VCV002443404.3), dbSNP rs1267828116, ClinGen allele CA403494614.
Genomic context (GRCh38, chr19:5,082,433, plus strand): 5'-CAGGAGGCCGGGGAATTCATGATCACATTTCCCTACGGCTACCACGCCGGCTTCAATCAC[G>A]GGTTCAACTGCGCAGAATCTACCAACTTCGCCACCCTGCGGTGGATTGACTACGGCAAAG-3'
Protein context (NP_055830.1, residues 273-293): PYGYHAGFNH[Gly283Arg]FNCAESTNFA

ClinVar aggregate classification (germline): Uncertain significance. Review status: criteria provided, multiple submitters, no conflicts (2 of 4 stars). 2 submissions from 2 submitters: Uncertain significance (2). Last evaluated 2024-10-02.

Conditions:
Intellectual developmental disorder, autosomal dominant 65. Also called: MENTAL RETARDATION, AUTOSOMAL DOMINANT 65. Identifiers: MedGen C5543371, MONDO:0023657, OMIM 619320.

Submissions (2):

GeneDx
Classification: Uncertain significance. Last evaluated: 2024-10-02. Review status: criteria provided, single submitter. Criteria: GeneDx Variant Classification Process June 2021. Collection method: clinical testing. Allele origin: germline. Affected: yes.
Comment: Not observed at significant frequency in large population cohorts (gnomAD); In silico analysis supports that this missense variant has a deleterious effect on protein structure/function; Has not been previously published as pathogenic or benign to our knowledge

Kasturba Medical College, Manipal, Kasturba Medical College, Manipal, Manipal Academy of Higher Education, Manipal, India
Classification: Uncertain significance for Intellectual developmental disorder, autosomal dominant 65. Review status: criteria provided, single submitter. Criteria: ACMG Guidelines, 2015. Collection method: research. Allele origin: de novo. Inheritance: Autosomal dominant inheritance. Affected: yes.
Comment: This variant is not observed in the gnomAD (v4.1.0) population database and our in-house data of 3754 exomes. This variant has been submitted in ClinVar (VCV002443404.2) by a single submitter as a variant of uncertain significance. In-silico analysis tools (CADD_phred and REVEL) predict the variant as disease-causing and affecting the KDM4B protein function.